The following is an entry in ClinVar:

NM_006865.5(LILRA3):c.933C>T (p.Ser311=)

Gene: LILRA3 (leukocyte immunoglobulin like receptor A3; minus strand). Cytogenetic location: 19q13.42.
Variant type: single nucleotide variant.
Coding change: c.933C>T on transcript NM_006865.5 (MANE Select); coding-DNA position 933, C replaced by T.
Protein change: p.Ser311=; no amino-acid change (serine 311 retained).
Molecular consequence: synonymous variant.
Genome position (GRCh38, 1-based): chr19:273,622, G>A on the plus strand (C>T on the coding strand, the complement: LILRA3 is on the minus strand). VCF-style: chr19-273622-G-A. GRCh37 (hg19) VCF-style: chr19-54802508-G-A.
Other names: c.741C>T, p.Ser247= (NM_001172654.2).
Identifiers: ClinVar variation 2650445 (VCV002650445.19), dbSNP rs1599897280, ClinGen allele CA9650185.

ClinVar aggregate classification (germline): Likely benign (1 of 4 stars; one submission).

Allele frequency attached by ClinVar (database versions not stated): ExAC 0.00152.

Submission:

CeGaT Center for Human Genetics Tuebingen
Classification: Likely benign. Last evaluated: 2022-04-01. Review status: criteria provided, single submitter. Criteria: CeGaT Center For Human Genetics Tuebingen Variant Classification Criteria Version 2. Collection method: clinical testing. Allele origin: germline. Affected: yes. Observed: 1 variant allele.
Comment: LILRA3: BP4, BP7